The following is an entry in ClinVar:

ClinVar aggregate classification (germline): Uncertain significance (1 of 4 stars; one submission).

Submission:

Greenwood Genetic Center Diagnostic Laboratories, Greenwood Genetic Center
Classification: Uncertain significance. Last evaluated: 2025-11-17. Review status: criteria provided, single submitter. Criteria: ACMG Guidelines, 2015. Collection method: clinical testing. Allele origin: germline. Affected: yes.
Comment: PM2, PP3

NM_000827.4(GRIA1):c.220+15742G>T

Gene: GRIA1 (glutamate ionotropic receptor AMPA type subunit 1; plus strand). Cytogenetic location: 5q33.2.
Variant type: single nucleotide variant.
Coding change: c.220+15742G>T on transcript NM_000827.4 (MANE Select); 15742 bases into the intron after coding-DNA position 220, G replaced by T.
Molecular consequence: intron variant. On other transcripts: splice donor variant (1).
Genome position (GRCh38, 1-based): chr5:153,509,807, G>T. VCF-style: chr5-153509807-G-T. GRCh37 (hg19) VCF-style: chr5-152889367-G-T.
Other names: c.247+15742G>T (NM_001364166.2); c.13+15742G>T (NM_001364167.2, NM_001258023.1); c.-66+1G>T (NM_001258020.2); c.220+15742G>T (NM_001114183.2, NM_001364165.2, NM_001258019.2); c.250+15742G>T (NM_001258021.2, NM_001258022.2).
Identifiers: ClinVar variation 4845464 (VCV004845464.1).